The following is an entry in ClinVar:

ClinVar aggregate classification (germline): Uncertain significance (1 of 4 stars; one submission).

Conditions:
Inborn genetic diseases. Identifiers: MedGen C0950123, MeSH D030342.

gnomAD v4.1: 6 of 1,613,888 alleles (0.00037%); highest among the groups gnomAD compares: Non-Finnish European, 0.00051%; no homozygotes.

Submission:

Ambry Genetics
Classification: Uncertain significance for Inborn genetic diseases. Last evaluated: 2026-04-23. Review status: criteria provided, single submitter. Criteria: Ambry Variant Classification Scheme 2023. Collection method: clinical testing. Allele origin: germline.
Comment: The c.1868T>A (p.I623K) alteration is located in exon 16 (coding exon 15) of the NDUFS1 gene. This alteration results from a T to A substitution at nucleotide position 1868, causing the isoleucine (I) at amino acid position 623 to be replaced by a lysine (K). This variant was not reported in population-based cohorts in the Genome Aggregation Database (gnomAD). This amino acid position is well conserved in available vertebrate species. This alteration is predicted to be deleterious by in silico analysis. Based on insufficient or conflicting evidence, the clinical significance of this alteration remains unclear.

NM_005006.7(NDUFS1):c.1868T>A (p.Ile623Lys)

Gene: NDUFS1 (NADH:ubiquinone oxidoreductase core subunit S1; minus strand). Cytogenetic location: 2q33.3.
Variant type: single nucleotide variant.
Coding change: c.1868T>A on transcript NM_005006.7 (MANE Select); coding-DNA position 1868, T replaced by A.
Protein change: p.Ile623Lys; replaces isoleucine 623 with lysine.
Molecular consequence: missense variant.
Genome position (GRCh38, 1-based): chr2:206,127,813, A>T on the plus strand (T>A on the coding strand, the complement: NDUFS1 is on the minus strand). VCF-style: chr2-206127813-A-T. GRCh37 (hg19) VCF-style: chr2-206992537-A-T.
Other names: c.1760T>A, p.Ile587Lys (NM_001199981.2); c.1535T>A, p.Ile512Lys (NM_001199982.2); c.1697T>A, p.Ile566Lys (NM_001199983.2); c.1910T>A, p.Ile637Lys (NM_001199984.2); c.1868T>A (NM_005006.6); short protein forms I623K, I512K, I566K, I637K, I587K.
Identifiers: ClinVar variation 4860781 (VCV004860781.1), dbSNP rs201634181.